The following is an entry in ClinVar:

ClinVar aggregate classification (germline): Uncertain significance (1 of 4 stars; one submission).

Conditions:
RASopathy. Also called: Noonan spectrum disorder; rasopathies. Identifiers: Orphanet 536391, MedGen C5555857, MONDO:0021060.

Submission:

Labcorp Genetics (formerly Invitae), Labcorp
Classification: Uncertain significance for RASopathy. Last evaluated: 2024-11-10. Review status: criteria provided, single submitter. Criteria: Invitae Variant Classification Sherloc (09022015). Collection method: clinical testing. Allele origin: germline.
Comment: This sequence change replaces threonine, which is neutral and polar, with proline, which is neutral and non-polar, at codon 298 of the CBL protein (p.Thr298Pro). This variant is not present in population databases (gnomAD no frequency). This variant has not been reported in the literature in individuals affected with CBL-related conditions. ClinVar contains an entry for this variant (Variation ID: 956121). Invitae Evidence Modeling of protein sequence and biophysical properties (such as structural, functional, and spatial information, amino acid conservation, physicochemical variation, residue mobility, and thermodynamic stability) indicates that this missense variant is expected to disrupt CBL protein function with a positive predictive value of 95%. In summary, the available evidence is currently insufficient to determine the role of this variant in disease. Therefore, it has been classified as a Variant of Uncertain Significance.

NM_005188.4(CBL):c.892A>C (p.Thr298Pro)

Gene: CBL (Cbl proto-oncogene; plus strand). Cytogenetic location: 11q23.3.
Variant type: single nucleotide variant.
Coding change: c.892A>C on transcript NM_005188.4 (MANE Select); coding-DNA position 892, A replaced by C.
Protein change: p.Thr298Pro; replaces threonine 298 with proline.
Molecular consequence: missense variant.
Genome position (GRCh38, 1-based): chr11:119,276,019, A>C. VCF-style: chr11-119276019-A-C. GRCh37 (hg19) VCF-style: chr11-119146729-A-C.
Other names: short protein forms T298P.
Identifiers: ClinVar variation 956121 (VCV000956121.9), dbSNP rs1949886947, ClinGen allele CA382911380.